The following is an entry in ClinVar:

NM_000702.4(ATP1A2):c.117+3G>A

Gene: ATP1A2 (ATPase Na+/K+ transporting subunit alpha 2; plus strand). Cytogenetic location: 1q23.2.
Variant type: single nucleotide variant.
Coding change: c.117+3G>A on transcript NM_000702.4 (MANE Select); 3 bases into the intron after coding-DNA position 117, G replaced by A.
Molecular consequence: intron variant.
Genome position (GRCh38, 1-based): chr1:160,121,013, G>A. VCF-style: chr1-160121013-G-A. GRCh37 (hg19) VCF-style: chr1-160090803-G-A.
Identifiers: ClinVar variation 969561 (VCV000969561.9), dbSNP rs1333920511, ClinGen allele CA526678479.

ClinVar aggregate classification (germline): Uncertain significance. Review status: criteria provided, multiple submitters, no conflicts (2 of 4 stars). 2 submissions from 2 submitters: Uncertain significance (2). Last evaluated 2025-03-27.

Conditions:
Familial hemiplegic migraine. Identifiers: MedGen C0338484, MONDO:0000700.

Allele frequency attached by ClinVar (database versions not stated): gnomAD exomes below 0.00001 and 0.00002; gnomAD 0.00001; TOPMed 0.00002.
gnomAD v4.1: 31 of 1,613,982 alleles (0.0019%); highest among the groups gnomAD compares: Non-Finnish European, 0.0026%; no homozygotes.

Submissions (2):

Labcorp Genetics (formerly Invitae), Labcorp
Classification: Uncertain significance for Familial hemiplegic migraine. Last evaluated: 2025-03-27. Review status: criteria provided, single submitter. Criteria: Invitae Variant Classification Sherloc (09022015). Collection method: clinical testing. Allele origin: germline.
Comment: This sequence change falls in intron 2 of the ATP1A2 gene. It does not directly change the encoded amino acid sequence of the ATP1A2 protein. It affects a nucleotide within the consensus splice site. This variant is present in population databases (no rsID available, gnomAD 0.002%). This variant has not been reported in the literature in individuals affected with ATP1A2-related conditions. ClinVar contains an entry for this variant (Variation ID: 969561). Variants that disrupt the consensus splice site are a relatively common cause of aberrant splicing (PMID: 17576681, 9536098). Algorithms developed to predict the effect of sequence changes on RNA splicing suggest that this variant is not likely to affect RNA splicing. In summary, the available evidence is currently insufficient to determine the role of this variant in disease. Therefore, it has been classified as a Variant of Uncertain Significance.

Women's Health and Genetics/Laboratory Corporation of America, LabCorp
Classification: Uncertain significance. Last evaluated: 2025-02-19. Review status: criteria provided, single submitter. Criteria: LabCorp Variant Classification Summary - May 2015. Collection method: clinical testing. Allele origin: germline.
Comment: Variant summary: ATP1A2 c.117+3G>A alters a non-conserved nucleotide located close to a canonical splice site and therefore could affect mRNA splicing, leading to a significantly altered protein sequence. Consensus agreement among computation tools predict no significant impact on normal splicing. However, these predictions have yet to be confirmed by functional studies. The variant allele was found at a frequency of 4e-06 in 250524 control chromosomes (gnomAD). The available data on variant occurrences in the general population are insufficient to allow any conclusion about variant significance. To our knowledge, no occurrence of c.117+3G>A in individuals affected with Alternating Hemiplegia Of Childhood 1 and no experimental evidence demonstrating its impact on protein function have been reported. ClinVar contains an entry for this variant (Variation ID: 969561). Based on the evidence outlined above, the variant was classified as uncertain significance.

Literature cited by the submitters: PubMed 17576681 (cited by Labcorp Genetics (formerly Invitae), Labcorp); PubMed 9536098 (cited by Labcorp Genetics (formerly Invitae), Labcorp).